The following is an entry in ClinVar:

NM_002203.4(ITGA2):c.65-3dup

Gene: ITGA2 (integrin subunit alpha 2; plus strand). Cytogenetic location: 5q11.2.
Variant type: Duplication.
Coding change: c.65-3dup on transcript NM_002203.4 (MANE Select); 3 bases into the intron before coding-DNA position 65, one base duplicated (T; older notation c.65-3dupT).
Molecular consequence: intron variant.
Genome position (GRCh38, 1-based): chr5:53,026,745, T duplicated. VCF-style (leftmost placement, unchanged base first): chr5-53026744-A-AT. GRCh37 (hg19) VCF-style: chr5-52322574-A-AT.
Identifiers: ClinVar variation 4994104 (VCV004994104.1).

ClinVar aggregate classification (germline): Likely benign (1 of 4 stars; one submission).

Conditions:
ITGA2-related disorder. Also called: ITGA2-related condition.

Submission:

PreventionGenetics, part of Exact Sciences
Classification: Likely benign for ITGA2-related condition. Last evaluated: 2026-03-20. Review status: criteria provided, single submitter. Criteria: ACMG Guidelines, 2015. Collection method: clinical testing. Allele origin: germline.
Comment: This variant is classified as likely benign based on ACMG/AMP sequence variant interpretation guidelines (Richards et al. 2015 PMID: 25741868, with internal and published modifications).